The following is an entry in ClinVar:

ClinVar aggregate classification (germline): Conflicting classifications of pathogenicity. Review status: criteria provided, conflicting classifications (1 of 4 stars). 3 submissions from 3 submitters: Uncertain significance (1); Likely benign (1). 1 of the submissions does not count toward it. Last evaluated 2024-08-21.

Conditions:
ATM-related disorder. Also called: ATM-related disorders; ATM-related condition.
Hereditary cancer-predisposing syndrome. Also called: Tumor predisposition; Neoplastic Syndromes, Hereditary; Hereditary Cancer Syndrome; Hereditary neoplastic syndrome. Identifiers: Orphanet 140162, MedGen C0027672, MeSH D009386, MONDO:0015356.
Ataxia-telangiectasia syndrome (AT). Also called: ATAXIA-TELANGIECTASIA, COMPLEMENTATION GROUP A; ATAXIA-TELANGIECTASIA, FRESNO VARIANT; Ataxia-telangiectasia; Ataxia-telangiectasia, complementation group D; AT, COMPLEMENTATION GROUP C; Ataxia-telangiectasia, complementation group E. Identifiers: Orphanet 100, MedGen C0004135, MONDO:0008840, OMIM 208900.

Submissions (3):

Labcorp Genetics (formerly Invitae), Labcorp
Classification: Uncertain significance for Ataxia-telangiectasia syndrome. Last evaluated: 2024-08-21. Review status: criteria provided, single submitter. Criteria: Invitae Variant Classification Sherloc (09022015). Collection method: clinical testing. Allele origin: germline.
Comment: This sequence change replaces valine, which is neutral and non-polar, with isoleucine, which is neutral and non-polar, at codon 2047 of the ATM protein (p.Val2047Ile). This variant is not present in population databases (gnomAD no frequency). This variant has not been reported in the literature in individuals affected with ATM-related conditions. ClinVar contains an entry for this variant (Variation ID: 826198). An algorithm developed to predict the effect of missense changes on protein structure and function (PolyPhen-2) suggests that this variant is likely to be tolerated. In summary, the available evidence is currently insufficient to determine the role of this variant in disease. Therefore, it has been classified as a Variant of Uncertain Significance.

Ambry Genetics
Classification: Likely benign for Hereditary cancer-predisposing syndrome. Last evaluated: 2024-08-09. Review status: criteria provided, single submitter. Criteria: Ambry Variant Classification Scheme 2023. Collection method: clinical testing. Allele origin: germline.

PreventionGenetics, part of Exact Sciences
Classification: Uncertain significance for ATM-related condition. Last evaluated: 2024-07-03. Review status: no assertion criteria provided. Collection method: clinical testing. Allele origin: germline. Not counted in ClinVar's aggregate classification.
Comment: The ATM c.6139G>A variant is predicted to result in the amino acid substitution p.Val2047Ile. To our knowledge, this variant has not been reported in the literature or in a large population database, indicating this variant is rare. This variant is interpreted as uncertain significance in ClinVar. At this time, the clinical significance of this variant is uncertain due to the absence of conclusive functional and genetic evidence.

NM_000051.4(ATM):c.6139G>A (p.Val2047Ile)

Genes: ATM (ATM serine/threonine kinase; plus strand), C11orf65 (chromosome 11 open reading frame 65; minus strand). Cytogenetic location: 11q22.3.
Variant type: single nucleotide variant.
Coding change: c.6139G>A on transcript NM_000051.4 (MANE Select); coding-DNA position 6139, G replaced by A.
Protein change: p.Val2047Ile; replaces valine 2047 with isoleucine.
Molecular consequence: missense variant. On other transcripts: intron variant (2).
Genome position (GRCh38, 1-based): chr11:108,316,054, G>A. VCF-style: chr11-108316054-G-A. GRCh37 (hg19) VCF-style: chr11-108186781-G-A.
Other names: c.6139G>A, p.Val2047Ile (NM_001351834.2); c.641-6983C>T (NM_001330368.2); c.*39-6983C>T (NM_001351110.2); short protein forms V2047I.
Identifiers: ClinVar variation 826198 (VCV000826198.16), dbSNP rs1591778897, ClinGen allele CA382550520.